The following is an entry in ClinVar:

ClinVar aggregate classification (germline): Uncertain significance. Review status: criteria provided, multiple submitters, no conflicts (2 of 4 stars). 6 submissions from 6 submitters: Uncertain significance (6). Last evaluated 2023-11-27.

Conditions:
Autosomal recessive ataxia, Beauce type. Also called: ATAXIA, RECESSIVE, OF BEAUCE; Spinocerebellar ataxia, autosomal recessive 8; SYNE1-Related Autosomal Recessive Cerebellar Ataxia; SYNE1 Deficiency. Identifiers: Orphanet 88644, MedGen C1853116, MONDO:0012549, OMIM 610743.
Emery-Dreifuss muscular dystrophy 4, autosomal dominant (EDMD4). Also called: EMERY-DREIFUSS MUSCULAR DYSTROPHY 4 WITH VARIABLE FEATURES. Identifiers: Orphanet 261, MedGen C2751807, MONDO:0013071, OMIM 612998.
Arthrogryposis multiplex congenita 3, myogenic type. Also called: ARTHROGRYPOSIS MULTIPLEX CONGENITA, MYOGENIC TYPE. Identifiers: MedGen C5193121, MONDO:0032778, OMIM 618484.

Allele frequency attached by ClinVar (database versions not stated): gnomAD exomes 0.00011 and 0.00016; ExAC 0.00012; gnomAD 0.00012 and 0.00016; TOPMed 0.00014; 1000 Genomes Project 30x 0.00031; 1000 Genomes Project 0.00040.
gnomAD v4.1: 182 of 1,612,016 alleles (0.011%); highest among the groups gnomAD compares: South Asian, 0.11%; 2 homozygotes.

Submissions (6):

Labcorp Genetics (formerly Invitae), Labcorp
Classification: Uncertain significance for Emery-Dreifuss muscular dystrophy 4, autosomal dominant; Autosomal recessive ataxia, Beauce type. Last evaluated: 2023-11-27. Review status: criteria provided, single submitter. Criteria: Invitae Variant Classification Sherloc (09022015). Collection method: clinical testing. Allele origin: germline.
Comment: This sequence change replaces proline, which is neutral and non-polar, with leucine, which is neutral and non-polar, at codon 2278 of the SYNE1 protein (p.Pro2278Leu). This variant is present in population databases (rs555536675, gnomAD 0.09%). This variant has not been reported in the literature in individuals affected with SYNE1-related conditions. ClinVar contains an entry for this variant (Variation ID: 283699). An algorithm developed to predict the effect of missense changes on protein structure and function (PolyPhen-2) suggests that this variant is likely to be disruptive. In summary, the available evidence is currently insufficient to determine the role of this variant in disease. Therefore, it has been classified as a Variant of Uncertain Significance.

GeneDx
Classification: Uncertain significance. Last evaluated: 2022-04-15. Review status: criteria provided, single submitter. Criteria: GeneDx Variant Classification Process June 2021. Collection method: clinical testing. Allele origin: germline. Affected: yes.
Comment: In silico analysis supports that this missense variant has a deleterious effect on protein structure/function; Has not been previously published as pathogenic or benign to our knowledge

Revvity Omics, Revvity
Classification: Uncertain significance. Last evaluated: 2022-03-07. Review status: criteria provided, single submitter. Criteria: ACMG Guidelines, 2015. Collection method: clinical testing. Allele origin: germline.

Department of Pathology and Laboratory Medicine, Sinai Health System
Classification: Uncertain significance for Autosomal recessive ataxia, Beauce type; Emery-Dreifuss muscular dystrophy 4, autosomal dominant; Arthrogryposis multiplex congenita 3, myogenic type. Last evaluated: 2020-07-21. Review status: criteria provided, single submitter. Criteria: ACMG Guidelines, 2015. Collection method: research. Allele origin: germline.

CeGaT Center for Human Genetics Tuebingen
Classification: Uncertain significance. Last evaluated: 2018-07-01. Review status: criteria provided, single submitter. Criteria: CeGaT Center For Human Genetics Tuebingen Variant Classification Criteria Version 2. Collection method: clinical testing. Allele origin: germline. Affected: yes. Observed: 1 variant allele.

Eurofins Ntd Llc (ga)
Classification: Uncertain significance. Last evaluated: 2017-03-01. Review status: criteria provided, single submitter. Criteria: EGL Classification Definitions 2015. Collection method: clinical testing. Allele origin: germline. Observed: 3 variant alleles, 3 heterozygotes.

NM_182961.4(SYNE1):c.6812C>T (p.Pro2271Leu)

Genes: SYNE1 (spectrin repeat containing nuclear envelope protein 1; minus strand), SYNE1-AS2 (SYNE1 antisense RNA 2; plus strand). Cytogenetic location: 6q25.2.
Variant type: single nucleotide variant.
Coding change: c.6812C>T on transcript NM_182961.4 (MANE Select); coding-DNA position 6812, C replaced by T.
Protein change: p.Pro2271Leu; replaces proline 2271 with leucine.
Molecular consequence: missense variant.
Genome position (GRCh38, 1-based): chr6:152,404,226, G>A on the plus strand (C>T on the coding strand, the complement: SYNE1 is on the minus strand). VCF-style: chr6-152404226-G-A. GRCh37 (hg19) VCF-style: chr6-152725361-G-A.
Other names: c.6833C>T, p.Pro2278Leu (NM_033071.5); short protein forms P2271L, P2278L.
Identifiers: ClinVar variation 283699 (VCV000283699.56), dbSNP rs555536675, ClinGen allele CA4057992.